The following is an entry in ClinVar:

NM_024675.4(PALB2):c.3039A>T (p.Ile1013=)

Gene: PALB2 (partner and localizer of BRCA2; minus strand). Cytogenetic location: 16p12.2.
Variant type: single nucleotide variant.
Coding change: c.3039A>T on transcript NM_024675.4 (MANE Select); coding-DNA position 3039, A replaced by T.
Protein change: p.Ile1013=; no amino-acid change (isoleucine 1013 retained).
Molecular consequence: synonymous variant.
Genome position (GRCh38, 1-based): chr16:23,621,436, T>A on the plus strand (A>T on the coding strand, the complement: PALB2 is on the minus strand). VCF-style: chr16-23621436-T-A. GRCh37 (hg19) VCF-style: chr16-23632757-T-A.
Identifiers: ClinVar variation 830186 (VCV000830186.1), dbSNP rs1966771316, ClinGen allele CA494180176.

ClinVar aggregate classification (germline): Uncertain significance (0 of 4 stars; one submission).

Submission:

Leiden Open Variation Database
Classification: Uncertain significance. Last evaluated: 2018-10-10. Review status: no assertion criteria provided. Collection method: curation. Allele origin: germline. Affected: yes.
Comment: Curators: Marc Tischkowitz, Arleen D. Auerbach. Submitter to LOVD: Yukihide Momozawa.

Literature cited by the submitters: PubMed 30287823.